The following is an entry in ClinVar:

NM_001122769.3(LCA5):c.2057C>G (p.Ser686Cys)

Gene: LCA5 (lebercilin LCA5; minus strand). Cytogenetic location: 6q14.1.
Variant type: single nucleotide variant.
Coding change: c.2057C>G on transcript NM_001122769.3 (MANE Select); coding-DNA position 2057, C replaced by G.
Protein change: p.Ser686Cys; replaces serine 686 with cysteine.
Molecular consequence: missense variant.
Genome position (GRCh38, 1-based): chr6:79,487,041, G>C on the plus strand (C>G on the coding strand, the complement: LCA5 is on the minus strand). VCF-style: chr6-79487041-G-C. GRCh37 (hg19) VCF-style: chr6-80196758-G-C.
Other names: c.2057C>G, p.Ser686Cys (NM_181714.4); short protein forms S686C.
Identifiers: ClinVar variation 1051729 (VCV001051729.8), dbSNP rs778650730, ClinGen allele CA3900731.
Genomic context (GRCh38, chr6:79,487,041, plus strand): 5'-GAAAAAATGTATACTCTAGTCAGTCATCTCAGTGCTACTTCTTCAATTTCATCTTCTACA[G>C]AATCAGCTGCTTTTACTGCTGGTTTATCGTCTGCATGTTTTAATCGGTGCCTATTTGGAT-3'
Protein context (NP_001116241.1, residues 676-696): DDKPAVKAAD[Ser686Cys]VEDEIEEVAL

ClinVar aggregate classification (germline): Uncertain significance. Review status: criteria provided, multiple submitters, no conflicts (2 of 4 stars). 3 submissions from 3 submitters: Uncertain significance (2). 1 of the submissions does not count toward it. Last evaluated 2022-02-05.

Conditions:
Leber congenital amaurosis 5 (LCA5). Also called: Amaurosis congenita of Leber, type 5. Identifiers: Orphanet 65, MedGen C1858301, MONDO:0011473, OMIM 604537.

Allele frequency attached by ClinVar (database versions not stated): ExAC 0.00001; gnomAD 0.00001; gnomAD exomes 0.00001 and 0.00002.
gnomAD v4.1: 30 of 1,613,494 alleles (0.0019%); highest among the groups gnomAD compares: Non-Finnish European, 0.0025%; no homozygotes.

Submissions (3):

Labcorp Genetics (formerly Invitae), Labcorp
Classification: Uncertain significance. Last evaluated: 2022-02-05. Review status: criteria provided, single submitter. Criteria: Invitae Variant Classification Sherloc (09022015). Collection method: clinical testing. Allele origin: germline.
Comment: This sequence change replaces serine, which is neutral and polar, with cysteine, which is neutral and slightly polar, at codon 686 of the LCA5 protein (p.Ser686Cys). This variant is present in population databases (rs778650730, gnomAD 0.002%). This variant has not been reported in the literature in individuals affected with LCA5-related conditions. ClinVar contains an entry for this variant (Variation ID: 1051729). Algorithms developed to predict the effect of missense changes on protein structure and function are either unavailable or do not agree on the potential impact of this missense change (SIFT: "Deleterious"; PolyPhen-2: "Probably Damaging"; Align-GVGD: "Class C0"). In summary, the available evidence is currently insufficient to determine the role of this variant in disease. Therefore, it has been classified as a Variant of Uncertain Significance.

Blueprint Genetics
Classification: Uncertain significance. Last evaluated: 2019-08-09. Review status: criteria provided, single submitter. Criteria: ACMG Guidelines, 2015. Collection method: clinical testing. Allele origin: germline.

Natera, Inc.
Classification: Uncertain significance for Leber congenital amaurosis type 5. Last evaluated: 2020-07-22. Review status: no assertion criteria provided. Collection method: clinical testing. Allele origin: germline. Not counted in ClinVar's aggregate classification.